The following is an entry in ClinVar:

NM_007208.4(MRPL3):c.919T>C (p.Tyr307His)

Gene: MRPL3 (mitochondrial ribosomal protein L3; minus strand). Cytogenetic location: 3q22.1.
Variant type: single nucleotide variant.
Coding change: c.919T>C on transcript NM_007208.4 (MANE Select); coding-DNA position 919, T replaced by C.
Protein change: p.Tyr307His; replaces tyrosine 307 with histidine.
Molecular consequence: missense variant.
Genome position (GRCh38, 1-based): chr3:131,462,851, A>G on the plus strand (T>C on the coding strand, the complement: MRPL3 is on the minus strand). VCF-style: chr3-131462851-A-G. GRCh37 (hg19) VCF-style: chr3-131181695-A-G.
Other names: short protein forms Y307H.
Identifiers: ClinVar variation 4799327 (VCV004799327.1).

ClinVar aggregate classification (germline): Uncertain significance (1 of 4 stars; one submission).

gnomAD v4.1: 2 of 1,612,068 alleles (0.00012%); highest among the groups gnomAD compares: Non-Finnish European, 0.00017%; no homozygotes.

Submission:

Labcorp Genetics (formerly Invitae), Labcorp
Classification: Uncertain significance. Last evaluated: 2025-12-20. Review status: criteria provided, single submitter. Criteria: Invitae Variant Classification Sherloc (09022015). Collection method: clinical testing. Allele origin: germline.
Comment: This sequence change replaces tyrosine, which is neutral and polar, with histidine, which is basic and polar, at codon 307 of the MRPL3 protein (p.Tyr307His). This variant is present in population databases (rs374462014, gnomAD 0.0009%). This variant has not been reported in the literature in individuals affected with MRPL3-related conditions. Invitae Evidence Modeling of protein sequence and biophysical properties (such as structural, functional, and spatial information, amino acid conservation, physicochemical variation, residue mobility, and thermodynamic stability) indicates that this missense variant is not expected to disrupt MRPL3 protein function with a negative predictive value of 80%. In summary, the available evidence is currently insufficient to determine the role of this variant in disease. Therefore, it has been classified as a Variant of Uncertain Significance.